The following is an entry in ClinVar:

NM_000238.4(KCNH2):c.731C>A (p.Ala244Glu)

Gene: KCNH2 (potassium voltage-gated channel subfamily H member 2; minus strand). Cytogenetic location: 7q36.1.
Variant type: single nucleotide variant.
Coding change: c.731C>A on transcript NM_000238.4 (MANE Select); coding-DNA position 731, C replaced by A.
Protein change: p.Ala244Glu; replaces alanine 244 with glutamic acid.
Molecular consequence: missense variant.
Genome position (GRCh38, 1-based): chr7:150,958,244, G>T on the plus strand (C>A on the coding strand, the complement: KCNH2 is on the minus strand). VCF-style: chr7-150958244-G-T. GRCh37 (hg19) VCF-style: chr7-150655332-G-T.
Other names: c.443C>A, p.Ala148Glu (NM_001406753.1, NM_001406756.1); c.554C>A, p.Ala185Glu (NM_001406755.1); c.431C>A, p.Ala144Glu (NM_001406757.1); c.731C>A, p.Ala244Glu (NM_172056.3); short protein forms A244E, A185E, A144E, A148E.
Identifiers: ClinVar variation 969507 (VCV000969507.11), dbSNP rs748762712, ClinGen allele CA369862687.
Genomic context (GRCh38, chr7:150,958,244, plus strand): 5'-CTGGAGCCCGAGGCGTCGGGGTTGAGGCTGTGCGCCCGGGGCGATGGGAGCTGGCCGGGC[G>T]CGCTGCGGGGCGGAGAGCCGGGACCCACCAGCGCACGCCGCTCCTCCGCGGGCCCGAGCC-3'
Protein context (NP_000229.1, residues 234-254): LVGPGSPPRS[Ala244Glu]PGQLPSPRAH

ClinVar aggregate classification (germline): Uncertain significance. Review status: criteria provided, multiple submitters, no conflicts (2 of 4 stars). 2 submissions from 2 submitters: Uncertain significance (2). Last evaluated 2024-03-12.

Conditions:
Cardiovascular phenotype. Identifiers: MedGen CN230736.
Long QT syndrome (LQTS). Identifiers: MedGen C0023976, MeSH D008133, MONDO:0002442. Disease mechanism: loss of function. Inheritance: Various modes of inheritance.

Submissions (2):

Ambry Genetics
Classification: Uncertain significance for Cardiovascular phenotype. Last evaluated: 2024-03-12. Review status: criteria provided, single submitter. Criteria: Ambry Variant Classification Scheme 2023. Collection method: clinical testing. Allele origin: germline.
Comment: The p.A244E variant (also known as c.731C>A), located in coding exon 4 of the KCNH2 gene, results from a C to A substitution at nucleotide position 731. The alanine at codon 244 is replaced by glutamic acid, an amino acid with dissimilar properties. This amino acid position is not well conserved in available vertebrate species. In addition, the in silico prediction for this alteration is inconclusive. Based on the available evidence, the clinical significance of this alteration remains unclear.

Labcorp Genetics (formerly Invitae), Labcorp
Classification: Uncertain significance for Long QT syndrome. Last evaluated: 2023-11-17. Review status: criteria provided, single submitter. Criteria: Invitae Variant Classification Sherloc (09022015). Collection method: clinical testing. Allele origin: germline.
Comment: This sequence change replaces alanine, which is neutral and non-polar, with glutamic acid, which is acidic and polar, at codon 244 of the KCNH2 protein (p.Ala244Glu). This variant is present in population databases (no rsID available, gnomAD 0.02%). This variant has not been reported in the literature in individuals affected with KCNH2-related conditions. ClinVar contains an entry for this variant (Variation ID: 969507). An algorithm developed to predict the effect of missense changes on protein structure and function (PolyPhen-2) suggests that this variant is likely to be tolerated. In summary, the available evidence is currently insufficient to determine the role of this variant in disease. Therefore, it has been classified as a Variant of Uncertain Significance.